The following is an entry in ClinVar:

NM_015346.4(ZFYVE26):c.1451C>T (p.Pro484Leu)

Gene: ZFYVE26 (zinc finger FYVE-type containing 26; minus strand). Cytogenetic location: 14q24.1.
Variant type: single nucleotide variant.
Coding change: c.1451C>T on transcript NM_015346.4 (MANE Select); coding-DNA position 1451, C replaced by T.
Protein change: p.Pro484Leu; replaces proline 484 with leucine.
Molecular consequence: missense variant.
Genome position (GRCh38, 1-based): chr14:67,802,267, G>A on the plus strand (C>T on the coding strand, the complement: ZFYVE26 is on the minus strand). VCF-style: chr14-67802267-G-A. GRCh37 (hg19) VCF-style: chr14-68268984-G-A.
Other names: short protein forms P484L.
Identifiers: ClinVar variation 2421794 (VCV002421794.3), dbSNP rs773603195, ClinGen allele CA7240512.
Genomic context (GRCh38, chr14:67,802,267, plus strand): 5'-ATGGCACAGAAGCCCTGGTAGAGTGTCAGGTTCTGACACTGGCTCAGGTGCTCAGGGACT[G>A]GAGCATCAACTGCATCTGAATTACAAAGAGAAACAGGCTGAACTTGAGAGTTAATTAATT-3'
Protein context (NP_056161.2, residues 474-494): PQQEPDAVDA[Pro484Leu]VPEHLSQCQN

ClinVar aggregate classification (germline): Uncertain significance (1 of 4 stars; one submission).

Conditions:
Spastic paraplegia. Identifiers: MedGen C0037772, HP:0001258.

Allele frequency attached by ClinVar (database versions not stated): ExAC 0.00001; gnomAD 0.00001; gnomAD exomes 0.00001; TOPMed 0.00002.
gnomAD v4.1: 14 of 1,614,036 alleles (0.00087%); highest among the groups gnomAD compares: Admixed American, 0.02%; no homozygotes.

Submission:

Labcorp Genetics (formerly Invitae), Labcorp
Classification: Uncertain significance for Spastic paraplegia. Last evaluated: 2024-12-03. Review status: criteria provided, single submitter. Criteria: Invitae Variant Classification Sherloc (09022015). Collection method: clinical testing. Allele origin: germline.
Comment: This sequence change replaces proline, which is neutral and non-polar, with leucine, which is neutral and non-polar, at codon 484 of the ZFYVE26 protein (p.Pro484Leu). This variant is present in population databases (rs773603195, gnomAD 0.02%). This variant has not been reported in the literature in individuals affected with ZFYVE26-related conditions. ClinVar contains an entry for this variant (Variation ID: 2421794). An algorithm developed to predict the effect of missense changes on protein structure and function outputs the following: PolyPhen-2: "Benign". The leucine amino acid residue is found in multiple mammalian species, which suggests that this missense change does not adversely affect protein function. In summary, the available evidence is currently insufficient to determine the role of this variant in disease. Therefore, it has been classified as a Variant of Uncertain Significance.